The following is an entry in ClinVar:

NM_000303.3(PMM2):c.395T>G (p.Ile132Ser)

Gene: PMM2 (phosphomannomutase 2; plus strand). Cytogenetic location: 16p13.2.
Variant type: single nucleotide variant.
Coding change: c.395T>G on transcript NM_000303.3 (MANE Select); coding-DNA position 395, T replaced by G.
Protein change: p.Ile132Ser; replaces isoleucine 132 with serine.
Molecular consequence: missense variant.
Genome position (GRCh38, 1-based): chr16:8,811,126, T>G. VCF-style: chr16-8811126-T-G. GRCh37 (hg19) VCF-style: chr16-8904983-T-G.
Other names: short protein forms I132S.
Identifiers: ClinVar variation 4533243 (VCV004533243.1).
Genomic context (GRCh38, chr16:8,811,126, plus strand): 5'-CTTTCATTCCCAGGGGTACTTTCATTGAATTCCGAAATGGGATGTTAAACGTGTCCCCTA[T>G]TGGAAGAAGCTGCAGCCAAGAAGAACGCATTGAGTTCTACGAACTCGATAAAGTACGTCT-3'
Protein context (NP_000294.1, residues 122-142): FRNGMLNVSP[Ile132Ser]GRSCSQEERI

ClinVar aggregate classification (germline): Uncertain significance (1 of 4 stars; one submission).

Conditions:
PMM2-congenital disorder of glycosylation. Also called: PMM2-CDG; Congenital disorder of glycosylation, type Ia; CDG Ia; JAEKEN SYNDROME; PHOSPHOMANNOMUTASE 2 DEFICIENCY; CARBOHYDRATE-DEFICIENT GLYCOPROTEIN SYNDROME, TYPE Ia. Identifiers: Orphanet 79318, MedGen C0349653, MONDO:0008907, OMIM 212065.

Submission:

Juno Genomics, Hangzhou Juno Genomics, Inc
Classification: Uncertain significance for PMM2-congenital disorder of glycosylation. Review status: criteria provided, single submitter. Criteria: ACMG Guidelines, 2015. Collection method: clinical testing. Allele origin: germline. Affected: yes.
Comment: Absent from controls (or at extremely low frequency if recessive) in Genome Aggregation Database, Exome Sequencing Project, 1000 Genomes Project, or Exome Aggregation Consortium.;Novel missense change at an amino acid residue where a different missense change determined to be pathogenic has been seen before.;Multiple lines of computational evidence support a deleterious effect on the gene or gene product (conservation, evolutionary, splicing impact, etc).